The following is an entry in ClinVar:

NM_001009999.3(KDM1A):c.33_50del (p.Ala13_Ala18del)

Gene: KDM1A (lysine demethylase 1A; plus strand). Cytogenetic location: 1p36.12.
Variant type: Deletion.
Coding change: c.33_50del on transcript NM_001009999.3 (MANE Select); coding-DNA positions 33 to 50, 18 bases deleted (GGCGGCGGCTGCAGCGGC).
Protein change: p.Ala13_Ala18del.
Genome position (GRCh38, 1-based): chr1:23,019,629-23,019,646, GGCGGCGGCTGCAGCGGC deleted; deleting any 18 consecutive bases within chr1:23,019,624-23,019,646 gives the same sequence; the c. name uses the placement nearest the transcript's 3' end. VCF-style (leftmost placement, unchanged base first): chr1-23019623-CGCGGCGGCGGCGGCTGCA-C. GRCh37 (hg19) VCF-style: chr1-23346116-CGCGGCGGCGGCGGCTGCA-C.
Other names: c.33_50del, p.Ala13_Ala18del (NM_001363654.2, NM_001410762.1, NM_001410763.1 and 1 more transcripts).
Identifiers: ClinVar variation 4761281 (VCV004761281.2).

ClinVar aggregate classification (germline): Conflicting classifications of pathogenicity. Review status: criteria provided, conflicting classifications (1 of 4 stars). 2 submissions from 2 submitters: Uncertain significance (1); Likely benign (1). Last evaluated 2025-03-27.

Submissions (2):

Labcorp Genetics (formerly Invitae), Labcorp
Classification: Uncertain significance. Last evaluated: 2025-03-27. Review status: criteria provided, single submitter. Criteria: Invitae Variant Classification Sherloc (09022015). Collection method: clinical testing. Allele origin: germline.
Comment: This variant, c.33_50del, results in the deletion of 6 amino acid(s) of the KDM1A protein (p.Ala13_Ala18del), but otherwise preserves the integrity of the reading frame. This variant is present in population databases (no rsID available, gnomAD 0.007%). This variant has not been reported in the literature in individuals affected with KDM1A-related conditions. Experimental studies and prediction algorithms are not available or were not evaluated, and the functional significance of this variant is currently unknown. In summary, the available evidence is currently insufficient to determine the role of this variant in disease. Therefore, it has been classified as a Variant of Uncertain Significance.

Blueprint Genetics
Classification: Likely benign. Last evaluated: 2020-03-12. Review status: criteria provided, single submitter. Criteria: ACMG Guidelines, 2015. Collection method: clinical testing. Allele origin: germline.